The following is an entry in ClinVar:

ClinVar aggregate classification (germline): Uncertain significance. Review status: criteria provided, multiple submitters, no conflicts (2 of 4 stars). 2 submissions from 2 submitters: Uncertain significance (2). Last evaluated 2023-09-21.

Conditions:
Hereditary cancer-predisposing syndrome. Also called: Hereditary Cancer Syndrome; Neoplastic Syndromes, Hereditary; Tumor predisposition; Hereditary neoplastic syndrome. Identifiers: Orphanet 140162, MedGen C0027672, MeSH D009386, MONDO:0015356.
Familial melanoma. Also called: Hereditary melanoma; Hereditary cutaneous melanoma. Identifiers: Orphanet 618, MedGen C1512419, MONDO:0018961.

Submissions (2):

Ambry Genetics
Classification: Uncertain significance for Hereditary cancer-predisposing syndrome. Last evaluated: 2023-09-21. Review status: criteria provided, single submitter. Criteria: Ambry Variant Classification Scheme 2023. Collection method: clinical testing. Allele origin: germline.
Comment: The p.R4K variant (also known as c.11G>A), located in coding exon 1 of the CDKN2A (p14ARF) gene, results from a G to A substitution at nucleotide position 11. The arginine at codon 4 is replaced by lysine, an amino acid with highly similar properties. This amino acid position is well conserved in available vertebrate species. In addition, the in silico prediction for this alteration is inconclusive. Since supporting evidence is limited at this time, the clinical significance of this alteration remains unclear.

Labcorp Genetics (formerly Invitae), Labcorp
Classification: Uncertain significance for Familial melanoma. Last evaluated: 2021-08-12. Review status: criteria provided, single submitter. Criteria: Invitae Variant Classification Sherloc (09022015). Collection method: clinical testing. Allele origin: germline.

NM_058195.4(CDKN2A):c.11G>A (p.Arg4Lys)

Gene: CDKN2A (cyclin dependent kinase inhibitor 2A; minus strand). Cytogenetic location: 9p21.3.
Variant type: single nucleotide variant.
Coding change: c.11G>A on transcript NM_058195.4 (MANE Plus Clinical); coding-DNA position 11, G replaced by A.
Protein change: p.Arg4Lys; replaces arginine 4 with lysine.
Molecular consequence: missense variant. On other transcripts: intron variant (1).
Genome position (GRCh38, 1-based): chr9:21,994,321, C>T on the plus strand (G>A on the coding strand, the complement: CDKN2A is on the minus strand). VCF-style: chr9-21994321-C-T. GRCh37 (hg19) VCF-style: chr9-21994320-C-T.
Other names: c.-4+500G>A (NM_001363763.2); short protein forms R4K.
Identifiers: ClinVar variation 575857 (VCV000575857.6), dbSNP rs149063626, ClinGen allele CA190745949.
Genomic context (GRCh38, chr9:21,994,321, plus strand): 5'-ACGAAAACCCTCACTCGCGGCGGGCCGCACGCGCGCCGAATCCGGAGGGTCACCAAGAAC[C>T]TGCGCACCATGTTCTCGCCGCCTCCAGGGCCGAGCTCGGCAGCCGCTGCGCCGCCCTTTG-3'
Protein context (NP_478102.2, residues 1-14): MVR[Arg4Lys]FLVTLRIRRA